The following is an entry in ClinVar:

ClinVar aggregate classification (germline): Uncertain significance. Review status: criteria provided, multiple submitters, no conflicts (2 of 4 stars). 2 submissions from 2 submitters: Uncertain significance (2). Last evaluated 2025-10-07.

Conditions:
Schwartz-Jampel syndrome type 1 (SJS1). Also called: CHONDRODYSTROPHIC MYOTONIA; MYOTONIC MYOPATHY, DWARFISM, CHONDRODYSTROPHY, AND OCULAR AND FACIAL ABNORMALITIES. Identifiers: MedGen C4551479, MONDO:0100435, OMIM 255800.
Inborn genetic diseases. Identifiers: MedGen C0950123, MeSH D030342.

Allele frequency attached by ClinVar (database versions not stated): TOPMed below 0.00001; gnomAD 0.00001; gnomAD exomes 0.00003; ExAC 0.00018.

Submissions (2):

Ambry Genetics
Classification: Uncertain significance for Inborn genetic diseases. Last evaluated: 2025-10-07. Review status: criteria provided, single submitter. Criteria: Ambry Variant Classification Scheme 2023. Collection method: clinical testing. Allele origin: germline.

Neuberg Centre For Genomic Medicine, NCGM
Classification: Uncertain significance for Schwartz-Jampel syndrome type 1. Review status: criteria provided, single submitter. Criteria: ACMG Guidelines, 2015. Collection method: clinical testing. Allele origin: germline. Inheritance: Autosomal recessive inheritance. Affected: yes.
Comment: The missense variant c.4132C>T (p.Pro1378Ser) in HSPG2 gene has not been reported previously as a pathogenic variant nor as a benign variant, to our knowledge. The p.Pro1378Ser variant is novel (not in any individuals) in 1000 Genomes and allele frequency of 0.005335% is reported in gnomAD. The amino acid Pro at position 1378 is changed to a Ser changing protein sequence and it might alter its composition and physico-chemical properties. In silico tools predict the variant to be tolerated. The residue is conserved across species. The amino acid change p.Pro1378Ser in HSPG2 is predicted as conserved by GERP++ and PhyloP across 100 vertebrates. For these reasons, this variant has been classified as Uncertain Significance.

NM_005529.7(HSPG2):c.4129C>T (p.Pro1377Ser)

Gene: HSPG2 (heparan sulfate proteoglycan 2; minus strand). Cytogenetic location: 1p36.12.
Variant type: single nucleotide variant.
Coding change: c.4129C>T on transcript NM_005529.7 (MANE Select); coding-DNA position 4129, C replaced by T.
Protein change: p.Pro1377Ser; replaces proline 1377 with serine.
Molecular consequence: missense variant.
Genome position (GRCh38, 1-based): chr1:21,872,278, G>A on the plus strand (C>T on the coding strand, the complement: HSPG2 is on the minus strand). VCF-style: chr1-21872278-G-A. GRCh37 (hg19) VCF-style: chr1-22198771-G-A.
Other names: c.4132C>T, p.Pro1378Ser (NM_001291860.2); c.4129C>T (NM_005529.5); short protein forms P1378S, P1377S.
Identifiers: ClinVar variation 2585371 (VCV002585371.2), dbSNP rs759523072, ClinGen allele CA672366.